The following is an entry in ClinVar:

NM_015898.4(ZBTB7A):c.1108C>T (p.Gln370Ter)

Gene: ZBTB7A (zinc finger and BTB domain containing 7A; minus strand). Cytogenetic location: 19p13.3.
Variant type: single nucleotide variant.
Coding change: c.1108C>T on transcript NM_015898.4 (MANE Select); coding-DNA position 1108, C replaced by T.
Protein change: p.Gln370Ter; replaces glutamine 370 with a stop codon.
Molecular consequence: nonsense.
Genome position (GRCh38, 1-based): chr19:4,054,125, G>A on the plus strand (C>T on the coding strand, the complement: ZBTB7A is on the minus strand). VCF-style: chr19-4054125-G-A. GRCh37 (hg19) VCF-style: chr19-4054123-G-A.
Other names: c.1108C>T, p.Gln370Ter (NM_001317990.2); c.1108C>T (NM_015898.3); short protein forms Q370*.
Identifiers: ClinVar variation 1342837 (VCV001342837.2), dbSNP rs2144989820, ClinGen allele CA403363422.

ClinVar aggregate classification (germline): Pathogenic. Review status: criteria provided, single submitter (1 of 4 stars). 2 submissions from 2 submitters: Pathogenic (1). 1 of the submissions does not count toward it. Last evaluated 2026-04-07.

Conditions:
Macrocephaly, neurodevelopmental delay, lymphoid hyperplasia, and persistent fetal hemoglobin (MNDLFH). Identifiers: Orphanet 694956, MedGen C5676928, MONDO:0859231, OMIM 619769.

Submissions (2):

GeneDx
Classification: Pathogenic. Last evaluated: 2026-04-07. Review status: criteria provided, single submitter. Criteria: GeneDx Variant Classification Process June 2021. Collection method: clinical testing. Allele origin: germline.
Comment: Nonsense variant predicted to result in protein truncation or nonsense mediated decay in a gene for which loss of function is a known mechanism of disease; Not observed at significant frequency in large population cohorts (gnomAD); This variant is associated with the following publications: (PMID: 28135719, 33057194, 35982159, 34515416)

OMIM
Classification: Pathogenic for MACROCEPHALY, NEURODEVELOPMENTAL DELAY, LYMPHOID HYPERPLASIA, AND PERSISTENT FETAL HEMOGLOBIN. Last evaluated: 2022-02-28. Review status: no assertion criteria provided. Collection method: literature only. Allele origin: germline. Not counted in ClinVar's aggregate classification.

Literature cited by the submitters: PubMed 34515416 (cited by OMIM).